The following is an entry in ClinVar:

NM_000492.4(CFTR):c.271G>A (p.Gly91Arg)

Gene: CFTR (CF transmembrane conductance regulator; plus strand). Cytogenetic location: 7q31.2.
Variant type: single nucleotide variant.
Coding change: c.271G>A on transcript NM_000492.4 (MANE Select); coding-DNA position 271, G replaced by A.
Protein change: p.Gly91Arg; replaces glycine 91 with arginine.
Molecular consequence: missense variant.
Genome position (GRCh38, 1-based): chr7:117,509,140, G>A. VCF-style: chr7-117509140-G-A. GRCh37 (hg19) VCF-style: chr7-117149194-G-A.
Other names: short protein forms G91R.
Identifiers: ClinVar variation 7183 (VCV000007183.7), dbSNP rs121908750, ClinGen allele CA325573.

ClinVar aggregate classification (germline): Pathogenic. Review status: reviewed by expert panel (3 of 4 stars). 6 submissions from 6 submitters: Pathogenic (1). 5 of the submissions do not count toward it. Last evaluated 2018-08-31.

Conditions:
CFTR-related disorder (CFTR-RD). Also called: CFTR-related condition; CFTR-related disorders. Identifiers: MedGen C5924204, MONDO:7770004.
Cystic fibrosis (CF). Also called: MUCOVISCIDOSIS. Identifiers: Orphanet 586, MedGen C0010674, MONDO:0009061, OMIM 219700. Disease mechanism: loss of function.
Bronchiectasis with or without elevated sweat chloride 1 (BESC1). Also called: Cystic Fibrosis-Like Syndrome. Identifiers: Orphanet 60033, MedGen C2749757, MONDO:0008887, OMIM 211400.

Allele frequency attached by ClinVar (database versions not stated): gnomAD exomes below 0.00001; ExAC 0.00001.

Submissions (6):

CFTR2
Classification: Pathogenic for Cystic fibrosis. Last evaluated: 2018-08-31. Review status: reviewed by expert panel. Criteria: Sosnay PR et al. (Nat Genet 2013). Collection method: research. Allele origin: germline. Affected: yes.

Natera, Inc.
Classification: Pathogenic for CFTR-related disorders. Last evaluated: 2025-08-07. Review status: criteria provided, single submitter. Criteria: Natera Variant Classification Schema (03/2026). Collection method: clinical testing. Allele origin: germline. Not counted in ClinVar's aggregate classification.
Comment: The c.271G>A variant in CFTR is a missense variant predicted to cause substitution of glycine to arginine at amino acid 91. This variant is rare in the general population with a frequency below the threshold expected for the associated phenotype(s). This variant has been observed in one or more individuals affected with the associated recessive disease, as either homozygous or compound heterozygous with a second variant (PMID: 30888834). Additionally, this variant has been observed to segregate in affected family members (PMID: 28603918). Functional studies show that this variant may disrupt protein function (PMID: 30046002). Computational prediction algorithms indicate this variant is likely to affect gene or protein function. Given the available evidence, this variant is classified as Pathogenic.

Baylor Genetics
Classification: Pathogenic for Bronchiectasis with or without elevated sweat chloride 1. Last evaluated: 2024-01-24. Review status: criteria provided, single submitter. Criteria: ACMG Guidelines, 2015. Collection method: clinical testing. Allele origin: unknown. Not counted in ClinVar's aggregate classification.

Women's Health and Genetics/Laboratory Corporation of America, LabCorp
Classification: Pathogenic for Cystic fibrosis. Last evaluated: 2022-10-21. Review status: criteria provided, single submitter. Criteria: LabCorp Variant Classification Summary - May 2015. Collection method: clinical testing. Allele origin: germline. Not counted in ClinVar's aggregate classification.
Comment: Variant summary: CFTR c.271G>A (p.Gly91Arg) results in a non-conservative amino acid change located in the ABC transporter type 1, transmembrane domain (IPR011527) of the encoded protein sequence. Five of five in-silico tools predict a damaging effect of the variant on protein function. Although this variant alters a conserved nucleotide located in the exonic-splice region, 4/4 computational tools predict no significant impact on normal splicing. However, these predictions have yet to be confirmed by functional studies. The variant allele was found at a frequency of 4e-06 in 250610 control chromosomes. c.271G>A has been reported in the literature as a biallelic genotype in multiple individuals affected with features of Cystic Fibrosis (example, Claustres_2000, Feldmann_2003, Sarles_2014, McCague_2019). These data indicate that the variant is very likely to be associated with disease. At least one publication reports experimental evidence evaluating an impact on protein function (Han_2018). The most pronounced variant effect results in approximately 1.6% of normal residual CFTR function. One clinical diagnostic laboratory and two databases (CFTR-2 and CFTR-France) have submitted clinical-significance assessments for this variant to ClinVar after 2014 without evidence for independent evaluation. All submitters classified the variant as pathogenic. Based on the evidence outlined above, the variant was classified as pathogenic.

CFTR-France
Classification: Pathogenic for cystic fibrosis. Last evaluated: 2018-01-29. Review status: criteria provided, single submitter. Criteria: Claustres M et al. (Hum Mutat 2017). Collection method: curation. Allele origin: germline. Affected: yes. Not counted in ClinVar's aggregate classification.

OMIM
Classification: Pathogenic for CYSTIC FIBROSIS. Last evaluated: 1993-04-01. Review status: no assertion criteria provided. Collection method: literature only. Allele origin: germline. Not counted in ClinVar's aggregate classification.

Literature cited by the submitters: PubMed 30888834 (cited by Natera, Inc. and Women's Health and Genetics/Laboratory Corporation of America, LabCorp); PubMed 28603918 (cited by Natera, Inc.); PubMed 30046002 (cited by Natera, Inc. and Women's Health and Genetics/Laboratory Corporation of America, LabCorp); PubMed 10923036 (cited by Women's Health and Genetics/Laboratory Corporation of America, LabCorp); PubMed 12955726 (cited by Women's Health and Genetics/Laboratory Corporation of America, LabCorp); PubMed 24513262 (cited by Women's Health and Genetics/Laboratory Corporation of America, LabCorp); PubMed 7682984 (cited by OMIM).